The following is an entry in ClinVar:

ClinVar aggregate classification (germline): Uncertain significance. Review status: criteria provided, multiple submitters, no conflicts (2 of 4 stars). 2 submissions from 2 submitters: Uncertain significance (2). Last evaluated 2025-10-12.

Conditions:
Cardiomyopathy (CMYO). Also called: Cardiomyopathies. Identifiers: Orphanet 167848, MedGen C0878544, MONDO:0004994, HP:0001638. Inheritance: Various modes of inheritance.
Cardiovascular phenotype. Identifiers: MedGen CN230736.

Submissions (2):

Color Diagnostics, LLC DBA Color Health
Classification: Uncertain significance for Cardiomyopathy. Last evaluated: 2025-10-12. Review status: criteria provided, single submitter. Criteria: ACMG Guidelines, 2015. Collection method: clinical testing. Allele origin: germline.
Comment: This missense variant replaces valine with alanine at codon 1272 of the MYBPC3 protein. Computational prediction suggests that this variant may not impact protein structure and function. To our knowledge, functional studies have not been reported for this variant. This variant has not been reported in individuals affected with MYBPC3-related disorders in the literature. This variant has been identified in 1/1458066 chromosomes in the general population by the Genome Aggregation Database (gnomAD). The available evidence is insufficient to determine the role of this variant in disease conclusively. Therefore, this variant is classified as a Variant of Uncertain Significance.

Ambry Genetics
Classification: Uncertain significance for Cardiovascular phenotype. Last evaluated: 2025-04-20. Review status: criteria provided, single submitter. Criteria: Ambry Variant Classification Scheme 2023. Collection method: clinical testing. Allele origin: germline.
Comment: The p.V1272A variant (also known as c.3815T>C) is located in coding exon 34 of the MYBPC3 gene. The valine at codon 1272 is replaced by alanine, an amino acid with similar properties. This change occurs in the first base pair of coding exon 34. This amino acid position is conserved. In addition, this alteration is predicted to be tolerated by in silico analysis. Based on the available evidence, the clinical significance of this variant remains unclear.

NM_000256.3(MYBPC3):c.3815T>C (p.Val1272Ala)

Gene: MYBPC3 (myosin binding protein C3; minus strand). Cytogenetic location: 11p11.2.
Variant type: single nucleotide variant.
Coding change: c.3815T>C on transcript NM_000256.3 (MANE Select); coding-DNA position 3815, T replaced by C.
Protein change: p.Val1272Ala; replaces valine 1272 with alanine.
Molecular consequence: missense variant.
Genome position (GRCh38, 1-based): chr11:47,331,881, A>G on the plus strand (T>C on the coding strand, the complement: MYBPC3 is on the minus strand). VCF-style: chr11-47331881-A-G. GRCh37 (hg19) VCF-style: chr11-47353432-A-G.
Other names: short protein forms V1272A.
Identifiers: ClinVar variation 3915212 (VCV003915212.2).